The following is an entry in ClinVar:

ClinVar aggregate classification (germline): Conflicting classifications of pathogenicity. Review status: criteria provided, conflicting classifications (1 of 4 stars). 5 submissions from 5 submitters: Uncertain significance (3); Likely benign (2). Last evaluated 2025-08-14.

Conditions:
Cardiovascular phenotype. Identifiers: MedGen CN230736.
Cardiomyopathy (CMYO). Also called: Cardiomyopathies. Identifiers: Orphanet 167848, MedGen C0878544, MONDO:0004994, HP:0001638. Inheritance: Various modes of inheritance.
Arrhythmogenic right ventricular dysplasia 5. Also called: ARRHYTHMOGENIC RIGHT VENTRICULAR DYSPLASIA, FAMILIAL, 5; Arrhythmogenic Right Ventricular Dysplasia/Cardiomyopathy 5. Identifiers: MedGen C1858379, MONDO:0011459, OMIM 604400.

Allele frequency attached by ClinVar (database versions not stated): gnomAD 0.00001; gnomAD exomes 0.00001.
gnomAD v4.1: 4 of 1,613,976 alleles (0.00025%); highest among the groups gnomAD compares: Admixed American, 0.0017%; no homozygotes.

Submissions (5):

Color Diagnostics, LLC DBA Color Health
Classification: Likely benign for Cardiomyopathy. Last evaluated: 2025-08-14. Review status: criteria provided, single submitter. Criteria: ACMG Guidelines, 2015. Collection method: clinical testing. Allele origin: germline.

Ambry Genetics
Classification: Likely benign for Cardiovascular phenotype. Last evaluated: 2025-05-08. Review status: criteria provided, single submitter. Criteria: Ambry Variant Classification Scheme 2023. Collection method: clinical testing. Allele origin: germline.

Labcorp Genetics (formerly Invitae), Labcorp
Classification: Uncertain significance for Arrhythmogenic right ventricular dysplasia 5. Last evaluated: 2024-10-17. Review status: criteria provided, single submitter. Criteria: Invitae Variant Classification Sherloc (09022015). Collection method: clinical testing. Allele origin: germline.
Comment: This sequence change replaces serine, which is neutral and polar, with cysteine, which is neutral and slightly polar, at codon 102 of the TMEM43 protein (p.Ser102Cys). This variant is present in population databases (no rsID available, gnomAD 0.002%). This variant has not been reported in the literature in individuals affected with TMEM43-related conditions. ClinVar contains an entry for this variant (Variation ID: 2039236). Invitae Evidence Modeling of protein sequence and biophysical properties (such as structural, functional, and spatial information, amino acid conservation, physicochemical variation, residue mobility, and thermodynamic stability) indicates that this missense variant is not expected to disrupt TMEM43 protein function with a negative predictive value of 80%. In summary, the available evidence is currently insufficient to determine the role of this variant in disease. Therefore, it has been classified as a Variant of Uncertain Significance.

GeneDx
Classification: Uncertain significance. Last evaluated: 2024-02-21. Review status: criteria provided, single submitter. Criteria: GeneDx Variant Classification Process June 2021. Collection method: clinical testing. Allele origin: germline. Affected: yes.
Comment: Has not been previously published as pathogenic or benign to our knowledge; Not observed at significant frequency in large population cohorts (gnomAD); In silico analysis supports that this missense variant does not alter protein structure/function

All of Us Research Program, National Institutes of Health
Classification: Uncertain significance for Arrhythmogenic right ventricular dysplasia 5. Last evaluated: 2023-07-19. Review status: criteria provided, single submitter. Criteria: ACMG Guidelines, 2015. Collection method: clinical testing. Allele origin: germline. Inheritance: Autosomal dominant inheritance. Observed: 1 variant allele, 1 heterozygote.
Comment: This missense variant replaces serine with cysteine at codon 102 of the TMEM43 protein. Computational prediction suggests that this variant may not impact protein structure and function (internally defined REVEL score threshold <= 0.5, PMID: 27666373). To our knowledge, functional studies have not been reported for this variant. This variant has not been reported in individuals affected with TMEM43-related disorders in the literature. This variant has been identified in 3/282570 chromosomes in the general population by the Genome Aggregation Database (gnomAD). The available evidence is insufficient to determine the role of this variant in disease conclusively. Therefore, this variant is classified as a Variant of Uncertain Significance.

This study involves interpretation of variants in research participants for the purpose of population health screening. Participant phenotype was not available at the time of variant classification. Additional details can be found in publication PMID: 35346344, PMCID: PMC8962531

NM_024334.3(TMEM43):c.305C>G (p.Ser102Cys)

Gene: TMEM43 (transmembrane protein 43; plus strand). Cytogenetic location: 3p25.1.
Variant type: single nucleotide variant.
Coding change: c.305C>G on transcript NM_024334.3 (MANE Select); coding-DNA position 305, C replaced by G.
Protein change: p.Ser102Cys; replaces serine 102 with cysteine.
Molecular consequence: missense variant.
Genome position (GRCh38, 1-based): chr3:14,131,587, C>G. VCF-style: chr3-14131587-C-G. GRCh37 (hg19) VCF-style: chr3-14173087-C-G.
Other names: c.305C>G, p.Ser102Cys (NM_001407274.1, NM_001407275.1, NM_001407276.1 and 2 more transcripts); c.290C>G, p.Ser97Cys (NM_001407278.1); c.155C>G, p.Ser52Cys (NM_001407280.1); short protein forms S97C, S52C, S102C.
Identifiers: ClinVar variation 2039236 (VCV002039236.7), dbSNP rs1480504433, ClinGen allele CA351534771.